The following is an entry in ClinVar:

NM_020738.4(KIDINS220):c.3814A>G (p.Thr1272Ala)

Gene: KIDINS220 (kinase D interacting substrate 220; minus strand). Cytogenetic location: 2p25.1.
Variant type: single nucleotide variant.
Coding change: c.3814A>G on transcript NM_020738.4 (MANE Select); coding-DNA position 3814, A replaced by G.
Protein change: p.Thr1272Ala; replaces threonine 1272 with alanine.
Molecular consequence: missense variant. On other transcripts: non-coding transcript variant (2).
Genome position (GRCh38, 1-based): chr2:8,734,657, T>C on the plus strand (A>G on the coding strand, the complement: KIDINS220 is on the minus strand). VCF-style: chr2-8734657-T-C. GRCh37 (hg19) VCF-style: chr2-8874787-T-C.
Other names: c.3817A>G, p.Thr1273Ala (NM_001348729.2); c.3760A>G, p.Thr1254Ala (NM_001348731.2); c.3757A>G, p.Thr1253Ala (NM_001348732.2, NM_001348738.2); c.3646A>G, p.Thr1216Ala (NM_001348734.2, NM_001348739.2, NM_001348740.2); c.3643A>G, p.Thr1215Ala (NM_001348735.2, NM_001348741.2, NM_001348742.2 and 1 more transcripts); c.3517A>G, p.Thr1173Ala (NM_001348736.2); short protein forms T1173A, T1215A, T1216A, T1253A, T1272A, T1273A, T1254A.
Identifiers: ClinVar variation 1385374 (VCV001385374.8), dbSNP rs2147963581, ClinGen allele CA345768579.

ClinVar aggregate classification (germline): Uncertain significance (1 of 4 stars; one submission).

Submission:

Labcorp Genetics (formerly Invitae), Labcorp
Classification: Uncertain significance. Last evaluated: 2021-04-06. Review status: criteria provided, single submitter. Criteria: Invitae Variant Classification Sherloc (09022015). Collection method: clinical testing. Allele origin: germline.
Comment: Algorithms developed to predict the effect of missense changes on protein structure and function output the following: SIFT: "Tolerated"; PolyPhen-2: "Benign"; Align-GVGD: "Class C0". The alanine amino acid residue is found in multiple mammalian species, suggesting that this missense change does not adversely affect protein function. These predictions have not been confirmed by published functional studies and their clinical significance is uncertain. This variant has not been reported in the literature in individuals with KIDINS220-related conditions. This variant is not present in population databases (ExAC no frequency). This sequence change replaces threonine with alanine at codon 1272 of the KIDINS220 protein (p.Thr1272Ala). The threonine residue is moderately conserved and there is a small physicochemical difference between threonine and alanine. In summary, the available evidence is currently insufficient to determine the role of this variant in disease. Therefore, it has been classified as a Variant of Uncertain Significance.